The following is an entry in ClinVar:

ClinVar aggregate classification (germline): Uncertain significance. Review status: criteria provided, multiple submitters, no conflicts (2 of 4 stars). 2 submissions from 2 submitters: Uncertain significance (2). Last evaluated 2026-01-09.

Conditions:
Inborn genetic diseases. Identifiers: MedGen C0950123, MeSH D030342.

gnomAD v4.1: 12 of 1,613,382 alleles (0.00074%); highest among the groups gnomAD compares: Admixed American, 0.0033%; no homozygotes.

Submissions (2):

Ambry Genetics
Classification: Uncertain significance for Inborn genetic diseases. Last evaluated: 2026-01-09. Review status: criteria provided, single submitter. Criteria: Ambry Variant Classification Scheme 2023. Collection method: clinical testing. Allele origin: germline.
Comment: The c.5783C>T (p.S1928F) alteration is located in exon 14 (coding exon 13) of the DCHS1 gene. This alteration results from a C to T substitution at nucleotide position 5783, causing the serine (S) at amino acid position 1928 to be replaced by a phenylalanine (F). Based on data from gnomAD, the T allele has an overall frequency of 0.002% (4/250306) total alleles studied. The highest observed frequency was 0.03% (3/10050) of Ashkenazi Jewish alleles. Based on insufficient or conflicting evidence, the clinical significance of this alteration remains unclear.

Labcorp Genetics (formerly Invitae), Labcorp
Classification: Uncertain significance. Last evaluated: 2025-11-06. Review status: criteria provided, single submitter. Criteria: Invitae Variant Classification Sherloc (09022015). Collection method: clinical testing. Allele origin: germline.
Comment: This sequence change replaces serine, which is neutral and polar, with phenylalanine, which is neutral and non-polar, at codon 1928 of the DCHS1 protein (p.Ser1928Phe). This variant is present in population databases (rs764879058, gnomAD 0.03%). This variant has not been reported in the literature in individuals affected with DCHS1-related conditions. Invitae Evidence Modeling of protein sequence and biophysical properties (such as structural, functional, and spatial information, amino acid conservation, physicochemical variation, residue mobility, and thermodynamic stability) has been performed for this missense variant. However, the output from this modeling did not meet the statistical confidence thresholds required to predict the impact of this variant on DCHS1 protein function. In summary, the available evidence is currently insufficient to determine the role of this variant in disease. Therefore, it has been classified as a Variant of Uncertain Significance.

NM_003737.4(DCHS1):c.5783C>T (p.Ser1928Phe)

Gene: DCHS1 (dachsous cadherin-related 1; minus strand). Cytogenetic location: 11p15.4.
Variant type: single nucleotide variant.
Coding change: c.5783C>T on transcript NM_003737.4 (MANE Select); coding-DNA position 5783, C replaced by T.
Protein change: p.Ser1928Phe; replaces serine 1928 with phenylalanine.
Molecular consequence: missense variant.
Genome position (GRCh38, 1-based): chr11:6,627,256, G>A on the plus strand (C>T on the coding strand, the complement: DCHS1 is on the minus strand). VCF-style: chr11-6627256-G-A. GRCh37 (hg19) VCF-style: chr11-6648487-G-A.
Other names: c.5783C>T (NM_003737.2); short protein forms S1928F.
Identifiers: ClinVar variation 4690520 (VCV004690520.2).